The following is an entry in ClinVar:

ClinVar aggregate classification (germline): Benign/Likely benign. Review status: criteria provided, multiple submitters, no conflicts (2 of 4 stars). 4 submissions from 4 submitters: Benign (1); Likely benign (3). Last evaluated 2026-01-27.

Conditions:
Hereditary cancer-predisposing syndrome. Also called: Neoplastic Syndromes, Hereditary; Hereditary Cancer Syndrome; Tumor predisposition; Hereditary neoplastic syndrome. Identifiers: Orphanet 140162, MedGen C0027672, MeSH D009386, MONDO:0015356.
Hereditary diffuse gastric adenocarcinoma (HDGC). Also called: DIFFUSE GASTRIC AND LOBULAR BREAST CANCER SYNDROME. Identifiers: Orphanet 26106, MedGen C1708349, MONDO:0007648, OMIM 137215.

Allele frequency attached by ClinVar (database versions not stated): gnomAD 0.00002; TOPMed 0.00002; ExAC 0.00003; gnomAD exomes 0.00003; ESP Exome Variant Server 0.00008.
gnomAD v4.1: 17 of 1,614,108 alleles (0.0011%); highest among the groups gnomAD compares: Admixed American, 0.005%; no homozygotes.

Submissions (4):

Labcorp Genetics (formerly Invitae), Labcorp
Classification: Likely benign. Last evaluated: 2026-01-27. Review status: criteria provided, single submitter. Criteria: Invitae Variant Classification Sherloc (09022015). Collection method: clinical testing. Allele origin: germline.

Myriad Genetics, Inc.
Classification: Benign for Hereditary diffuse gastric adenocarcinoma. Last evaluated: 2024-10-10. Review status: criteria provided, single submitter. Criteria: Myriad Autosomal Dominant, Autosomal Recessive and X-Linked Classification Criteria (2023). Collection method: clinical testing. Allele origin: unknown.
Comment: This variant is considered benign. This variant is a silent/synonymous amino acid change and it is not expected to impact splicing.

Blueprint Genetics
Classification: Likely benign. Last evaluated: 2024-05-30. Review status: criteria provided, single submitter. Criteria: ACMG Guidelines, 2015. Collection method: clinical testing. Allele origin: germline.

Ambry Genetics
Classification: Likely benign for Hereditary cancer-predisposing syndrome. Last evaluated: 2020-09-29. Review status: criteria provided, single submitter. Criteria: Ambry Variant Classification Scheme 2023. Collection method: clinical testing. Allele origin: germline.

NM_001903.5(CTNNA1):c.732A>C (p.Ile244=)

Gene: CTNNA1 (catenin alpha 1; plus strand). Cytogenetic location: 5q31.2.
Variant type: single nucleotide variant.
Coding change: c.732A>C on transcript NM_001903.5 (MANE Select); coding-DNA position 732, A replaced by C.
Protein change: p.Ile244=; no amino-acid change (isoleucine 244 retained).
Molecular consequence: synonymous variant.
Genome position (GRCh38, 1-based): chr5:138,824,673, A>C. VCF-style: chr5-138824673-A-C. GRCh37 (hg19) VCF-style: chr5-138160362-A-C.
Other names: c.732A>C, p.Ile244= (NM_001290307.3, NM_001323982.2, NM_001323983.1 and 3 more transcripts); c.423A>C, p.Ile141= (NM_001290309.3); c.363A>C, p.Ile121= (NM_001290310.3).
Identifiers: ClinVar variation 239068 (VCV000239068.16), dbSNP rs201899693, ClinGen allele CA3431546.